The following is an entry in ClinVar:

NM_024642.5(GALNT12):c.563C>T (p.Ala188Val)

Gene: GALNT12 (polypeptide N-acetylgalactosaminyltransferase 12; plus strand). Cytogenetic location: 9q22.33.
Variant type: single nucleotide variant.
Coding change: c.563C>T on transcript NM_024642.5 (MANE Select); coding-DNA position 563, C replaced by T.
Protein change: p.Ala188Val; replaces alanine 188 with valine.
Molecular consequence: missense variant.
Genome position (GRCh38, 1-based): chr9:98,826,773, C>T. VCF-style: chr9-98826773-C-T. GRCh37 (hg19) VCF-style: chr9-101589055-C-T.
Other names: short protein forms A188V.
Identifiers: ClinVar variation 1411154 (VCV001411154.10), dbSNP rs2118376150, ClinGen allele CA374217310.
Genomic context (GRCh38, chr9:98,826,773, plus strand): 5'-TTGTCACGGTGACCCCTGTTGCTTTGTTTGCCTCCCTAGAGCACCTGAAGGAGCGCTTGG[C>T]CAATGAGCTTTCGGGACTGCCCAAGGTGCGCCTGATCCGCGCCAACAAGAGAGAGGGCCT-3'
Protein context (NP_078918.3, residues 178-198): SDREHLKERL[Ala188Val]NELSGLPKVR

ClinVar aggregate classification (germline): Uncertain significance. Review status: criteria provided, multiple submitters, no conflicts (2 of 4 stars). 2 submissions from 2 submitters: Uncertain significance (2). Last evaluated 2022-08-11.

Allele frequency attached by ClinVar (database versions not stated): gnomAD exomes below 0.00001.
gnomAD v4.1: 1 of 1,611,688 alleles (0.000062%); highest among the groups gnomAD compares: Non-Finnish European, 0.000085%; no homozygotes.

Submissions (2):

Ambry Genetics
Classification: Uncertain significance. Last evaluated: 2022-08-11. Review status: criteria provided, single submitter. Criteria: Ambry Variant Classification Scheme 2023. Collection method: clinical testing. Allele origin: germline.
Comment: The p.A188V variant (also known as c.563C>T), located in coding exon 3 of the GALNT12 gene, results from a C to T substitution at nucleotide position 563. The alanine at codon 188 is replaced by valine, an amino acid with similar properties. This amino acid position is not well conserved in available vertebrate species. In addition, this alteration is predicted to be tolerated by in silico analysis. The evidence for this gene-disease relationship is limited; therefore, the clinical significance of this alteration is unclear.

Labcorp Genetics (formerly Invitae), Labcorp
Classification: Uncertain significance. Last evaluated: 2021-04-27. Review status: criteria provided, single submitter. Criteria: Invitae Variant Classification Sherloc (09022015). Collection method: clinical testing. Allele origin: germline.
Comment: Algorithms developed to predict the effect of missense changes on protein structure and function are either unavailable or do not agree on the potential impact of this missense change (SIFT: "Tolerated"; PolyPhen-2: "Possibly Damaging"; Align-GVGD: "Class C0"). In summary, the available evidence is currently insufficient to determine the role of this variant in disease. Therefore, it has been classified as a Variant of Uncertain Significance. This variant has not been reported in the literature in individuals with GALNT12-related conditions. This variant is not present in population databases (ExAC no frequency). This sequence change replaces alanine with valine at codon 188 of the GALNT12 protein (p.Ala188Val). The alanine residue is weakly conserved and there is a small physicochemical difference between alanine and valine.